The following is an entry in ClinVar:

ClinVar aggregate classification (germline): Uncertain significance (1 of 4 stars; one submission).

Submission:

GeneDx
Classification: Uncertain significance. Last evaluated: 2024-10-15. Review status: criteria provided, single submitter. Criteria: GeneDx Variant Classification Process June 2021. Collection method: clinical testing. Allele origin: germline. Affected: yes.
Comment: Not observed at significant frequency in large population cohorts (gnomAD); In silico analysis supports that this missense variant has a deleterious effect on protein structure/function; Has not been previously published as pathogenic or benign to our knowledge

NM_001303256.3(MORC2):c.905C>T (p.Ala302Val)

Gene: MORC2 (MORC family CW-type zinc finger 2; minus strand). Cytogenetic location: 22q12.2.
Variant type: single nucleotide variant.
Coding change: c.905C>T on transcript NM_001303256.3 (MANE Select); coding-DNA position 905, C replaced by T.
Protein change: p.Ala302Val; replaces alanine 302 with valine.
Molecular consequence: missense variant.
Genome position (GRCh38, 1-based): chr22:30,940,041, G>A on the plus strand (C>T on the coding strand, the complement: MORC2 is on the minus strand). VCF-style: chr22-30940041-G-A. GRCh37 (hg19) VCF-style: chr22-31336028-G-A.
Other names: c.905C>T, p.Ala302Val (NM_001303257.2); c.719C>T, p.Ala240Val (NM_014941.3); short protein forms A240V, A302V.
Identifiers: ClinVar variation 3781005 (VCV003781005.1).